The following is an entry in ClinVar:

ClinVar aggregate classification (germline): Uncertain significance (1 of 4 stars; one submission).

Conditions:
Hereditary cancer-predisposing syndrome. Also called: Tumor predisposition; Neoplastic Syndromes, Hereditary; Hereditary neoplastic syndrome; Hereditary Cancer Syndrome. Identifiers: Orphanet 140162, MedGen C0027672, MeSH D009386, MONDO:0015356.

Submission:

Ambry Genetics
Classification: Uncertain significance for Hereditary cancer-predisposing syndrome. Last evaluated: 2025-08-27. Review status: criteria provided, single submitter. Criteria: Ambry Variant Classification Scheme 2023. Collection method: clinical testing. Allele origin: germline.
Comment: The p.L383H variant (also known as c.1148T>A), located in coding exon 12 of the MUTYH gene, results from a T to A substitution at nucleotide position 1148. The leucine at codon 383 is replaced by histidine, an amino acid with similar properties. This amino acid position is conserved. In addition, this alteration is predicted to be tolerated by in silico analysis. Based on the available evidence, the clinical significance of this variant remains unclear.

NM_001048174.2(MUTYH):c.1064T>A (p.Leu355His)

Gene: MUTYH (mutY DNA glycosylase; minus strand). Cytogenetic location: 1p34.1.
Variant type: single nucleotide variant.
Coding change: c.1064T>A on transcript NM_001048174.2 (MANE Select); coding-DNA position 1064, T replaced by A.
Protein change: p.Leu355His; replaces leucine 355 with histidine.
Molecular consequence: missense variant. On other transcripts: non-coding transcript variant (7).
Genome position (GRCh38, 1-based): chr1:45,331,699, A>T on the plus strand (T>A on the coding strand, the complement: MUTYH is on the minus strand). VCF-style: chr1-45331699-A-T. GRCh37 (hg19) VCF-style: chr1-45797371-A-T.
Other names: c.1064T>A, p.Leu355His (NM_001048171.2, NM_001048173.2, NM_001293195.2 and 6 more transcripts); c.1067T>A, p.Leu356His (NM_001048172.2, NM_001407086.1, NM_001407071.1 and 1 more transcripts); c.1148T>A, p.Leu383His (NM_001128425.2); c.1109T>A, p.Leu370His (NM_001293190.2); c.1097T>A, p.Leu366His (NM_001293191.2, NM_001407069.1, NM_001407077.1); c.788T>A, p.Leu263His (NM_001293192.2, NM_001293196.2, NM_001407091.1); c.1025T>A, p.Leu342His (NM_001407079.1); c.1022T>A, p.Leu341His (NM_001407080.1); and 5 more; short protein forms L327H, L366H, L369H, L240H, L355H, L362H, L341H, L370H.
Identifiers: ClinVar variation 4113056 (VCV004113056.1).